The following is an entry in ClinVar:

ClinVar aggregate classification (germline): Uncertain significance. Review status: criteria provided, multiple submitters, no conflicts (2 of 4 stars). 2 submissions from 2 submitters: Uncertain significance (2). Last evaluated 2024-10-23.

Conditions:
Polyhydramnios, megalencephaly, and symptomatic epilepsy (PMSE). Also called: PMSE SYNDROME. Identifiers: Orphanet 500533, MedGen C1970203, MONDO:0012611, OMIM 611087.

Allele frequency attached by ClinVar (database versions not stated): TOPMed below 0.00001; ExAC 0.00001; gnomAD exomes 0.00001; ESP Exome Variant Server 0.00008.
gnomAD v4.1: 9 of 1,594,900 alleles (0.00056%); highest among the groups gnomAD compares: South Asian, 0.0011%; no homozygotes.

Submissions (2):

Labcorp Genetics (formerly Invitae), Labcorp
Classification: Uncertain significance for Polyhydramnios, megalencephaly, and symptomatic epilepsy. Last evaluated: 2024-10-23. Review status: criteria provided, single submitter. Criteria: Invitae Variant Classification Sherloc (09022015). Collection method: clinical testing. Allele origin: germline.
Comment: This sequence change replaces threonine, which is neutral and polar, with isoleucine, which is neutral and non-polar, at codon 304 of the STRADA protein (p.Thr304Ile). This variant is present in population databases (rs376897097, gnomAD 0.001%). This variant has not been reported in the literature in individuals affected with STRADA-related conditions. ClinVar contains an entry for this variant (Variation ID: 1001334). An algorithm developed to predict the effect of missense changes on protein structure and function (PolyPhen-2) suggests that this variant is likely to be disruptive. In summary, the available evidence is currently insufficient to determine the role of this variant in disease. Therefore, it has been classified as a Variant of Uncertain Significance.

Blueprint Genetics
Classification: Uncertain significance. Last evaluated: 2024-08-01. Review status: criteria provided, single submitter. Criteria: ACMG Guidelines, 2015. Collection method: clinical testing. Allele origin: germline.

NM_001003787.4(STRADA):c.911C>T (p.Thr304Ile)

Gene: STRADA (STE20 related adaptor alpha; minus strand). Cytogenetic location: 17q23.3.
Variant type: single nucleotide variant.
Coding change: c.911C>T on transcript NM_001003787.4 (MANE Select); coding-DNA position 911, C replaced by T.
Protein change: p.Thr304Ile; replaces threonine 304 with isoleucine.
Molecular consequence: missense variant. On other transcripts: non-coding transcript variant (1).
Genome position (GRCh38, 1-based): chr17:63,704,530, G>A on the plus strand (C>T on the coding strand, the complement: STRADA is on the minus strand). VCF-style: chr17-63704530-G-A. GRCh37 (hg19) VCF-style: chr17-61781890-G-A.
Other names: c.800C>T, p.Thr267Ile (NM_001003786.3, NM_001363789.1, NM_153335.6); c.737C>T, p.Thr246Ile (NM_001003788.3, NM_001363790.1, NM_001363791.1); c.824C>T, p.Thr275Ile (NM_001165969.2, NM_001363787.1); c.779C>T, p.Thr260Ile (NM_001165970.2); c.887C>T, p.Thr296Ile (NM_001363786.1); c.911C>T, p.Thr304Ile (NM_001363788.1); short protein forms T246I, T260I, T267I, T275I, T296I, T304I.
Identifiers: ClinVar variation 1001334 (VCV001001334.9), dbSNP rs376897097, ClinGen allele CA8703181.